The following is an entry in ClinVar:

NM_014633.5(CTR9):c.1873-3T>C

Gene: CTR9 (CTR9 component of Paf1/RNA polymerase II complex; plus strand). Cytogenetic location: 11p15.4.
Variant type: single nucleotide variant.
Coding change: c.1873-3T>C on transcript NM_014633.5 (MANE Select); 3 bases into the intron before coding-DNA position 1873, T replaced by C.
Molecular consequence: intron variant.
Genome position (GRCh38, 1-based): chr11:10,768,071, T>C. VCF-style: chr11-10768071-T-C. GRCh37 (hg19) VCF-style: chr11-10789618-T-C.
Other names: c.1873-3T>C (NM_001346279.2).
Identifiers: ClinVar variation 3709164 (VCV003709164.2).

ClinVar aggregate classification (germline): Uncertain significance (1 of 4 stars; one submission).

gnomAD v4.1: 23 of 1,613,936 alleles (0.0014%); highest among the groups gnomAD compares: South Asian, 0.025%; no homozygotes.

Submission:

Labcorp Genetics (formerly Invitae), Labcorp
Classification: Uncertain significance. Last evaluated: 2025-03-21. Review status: criteria provided, single submitter. Criteria: Invitae Variant Classification Sherloc (09022015). Collection method: clinical testing. Allele origin: germline.
Comment: This sequence change falls in intron 14 of the CTR9 gene. It does not directly change the encoded amino acid sequence of the CTR9 protein. It affects a nucleotide within the consensus splice site. This variant is present in population databases (rs559712136, gnomAD 0.03%). This variant has not been reported in the literature in individuals affected with CTR9-related conditions. Variants that disrupt the consensus splice site are a relatively common cause of aberrant splicing (PMID: 17576681, 9536098). Algorithms developed to predict the effect of sequence changes on RNA splicing suggest that this variant is not likely to affect RNA splicing. In summary, the available evidence is currently insufficient to determine the role of this variant in disease. Therefore, it has been classified as a Variant of Uncertain Significance.

Literature cited by the submitters: PubMed 17576681; PubMed 9536098.